The following is an entry in ClinVar:

ClinVar aggregate classification (germline): Uncertain significance (1 of 4 stars; one submission).

gnomAD v4.1: 1 of 1,612,840 alleles (0.000062%); highest among the groups gnomAD compares: Non-Finnish European, 0.000085%; no homozygotes.

Submission:

Labcorp Genetics (formerly Invitae), Labcorp
Classification: Uncertain significance. Last evaluated: 2025-04-14. Review status: criteria provided, single submitter. Criteria: Invitae Variant Classification Sherloc (09022015). Collection method: clinical testing. Allele origin: germline.
Comment: This sequence change replaces glycine, which is neutral and non-polar, with glutamic acid, which is acidic and polar, at codon 128 of the GATA3 protein (p.Gly128Glu). This variant is not present in population databases (gnomAD no frequency). This variant has not been reported in the literature in individuals affected with GATA3-related conditions. ClinVar contains an entry for this variant (Variation ID: 2971695). Invitae Evidence Modeling of protein sequence and biophysical properties (such as structural, functional, and spatial information, amino acid conservation, physicochemical variation, residue mobility, and thermodynamic stability) indicates that this missense variant is not expected to disrupt GATA3 protein function with a negative predictive value of 80%. In summary, the available evidence is currently insufficient to determine the role of this variant in disease. Therefore, it has been classified as a Variant of Uncertain Significance.

NM_001002295.2(GATA3):c.383G>A (p.Gly128Glu)

Gene: GATA3 (GATA binding protein 3; plus strand). Cytogenetic location: 10p14.
Variant type: single nucleotide variant.
Coding change: c.383G>A on transcript NM_001002295.2 (MANE Select); coding-DNA position 383, G replaced by A.
Protein change: p.Gly128Glu; replaces glycine 128 with glutamic acid.
Molecular consequence: missense variant.
Genome position (GRCh38, 1-based): chr10:8,058,446, G>A. VCF-style: chr10-8058446-G-A. GRCh37 (hg19) VCF-style: chr10-8100409-G-A.
Other names: c.383G>A, p.Gly128Glu (NM_002051.3); short protein forms G128E.
Identifiers: ClinVar variation 2971695 (VCV002971695.3), dbSNP rs1268951338, ClinGen allele CA375967582.